The following is an entry in ClinVar:

ClinVar aggregate classification (germline): Uncertain significance (1 of 4 stars; one submission).

Conditions:
Familial hemiplegic migraine. Identifiers: MedGen C0338484, MONDO:0000700.

Allele frequency attached by ClinVar (database versions not stated): TOPMed below 0.00001; gnomAD 0.00001.
gnomAD v4.1: 1 of 1,614,068 alleles (0.000062%); highest among the groups gnomAD compares: Non-Finnish European, 0.000085%; no homozygotes.

Submission:

Labcorp Genetics (formerly Invitae), Labcorp
Classification: Uncertain significance for Familial hemiplegic migraine. Last evaluated: 2022-05-19. Review status: criteria provided, single submitter. Criteria: Invitae Variant Classification Sherloc (09022015). Collection method: clinical testing. Allele origin: germline.
Comment: In summary, the available evidence is currently insufficient to determine the role of this variant in disease. Therefore, it has been classified as a Variant of Uncertain Significance. Advanced modeling of protein sequence and biophysical properties (such as structural, functional, and spatial information, amino acid conservation, physicochemical variation, residue mobility, and thermodynamic stability) performed at Invitae indicates that this missense variant is not expected to disrupt ATP1A2 protein function. This variant has not been reported in the literature in individuals affected with ATP1A2-related conditions. This variant is not present in population databases (gnomAD no frequency). This sequence change replaces methionine, which is neutral and non-polar, with isoleucine, which is neutral and non-polar, at codon 389 of the ATP1A2 protein (p.Met389Ile).

NM_000702.4(ATP1A2):c.1167G>A (p.Met389Ile)

Gene: ATP1A2 (ATPase Na+/K+ transporting subunit alpha 2; plus strand). Cytogenetic location: 1q23.2.
Variant type: single nucleotide variant.
Coding change: c.1167G>A on transcript NM_000702.4 (MANE Select); coding-DNA position 1167, G replaced by A.
Protein change: p.Met389Ile; replaces methionine 389 with isoleucine.
Molecular consequence: missense variant.
Genome position (GRCh38, 1-based): chr1:160,128,801, G>A. VCF-style: chr1-160128801-G-A. GRCh37 (hg19) VCF-style: chr1-160098591-G-A.
Other names: short protein forms M389I.
Identifiers: ClinVar variation 1967136 (VCV001967136.5), dbSNP rs1651667488, ClinGen allele CA343239635.